The following is an entry in ClinVar:

NM_001267727.2(ARSG):c.1171G>T (p.Val391Phe)

Gene: ARSG (arylsulfatase G; plus strand). Cytogenetic location: 17q24.2.
Variant type: single nucleotide variant.
Coding change: c.1171G>T on transcript NM_001267727.2 (MANE Select); coding-DNA position 1171, G replaced by T.
Protein change: p.Val391Phe; replaces valine 391 with phenylalanine.
Molecular consequence: missense variant.
Genome position (GRCh38, 1-based): chr17:68,395,152, G>T. VCF-style: chr17-68395152-G-T. GRCh37 (hg19) VCF-style: chr17-66391293-G-T.
Other names: c.1171G>T, p.Val391Phe (NM_001352899.2, NM_001352900.2, NM_001352901.2 and 3 more transcripts); c.1168G>T, p.Val390Phe (NM_001352903.2, NM_001352904.2, NM_001352905.2 and 2 more transcripts); c.1123G>T, p.Val375Phe (NM_001352909.2); short protein forms V375F, V391F, V390F.
Identifiers: ClinVar variation 1488861 (VCV001488861.6), dbSNP rs752293584, ClinGen allele CA400747193.
Genomic context (GRCh38, chr17:68,395,152, plus strand): 5'-ACTGTGGTAGCCCTGGCCCAGGCCAGCTTACCTCAAGGACGGCGCTTTGATGGTGTGGAC[G>T]TCTCCGAGGTGCTCTTTGGCCGGTCACAGCCTGGGCACAGGGTAAGTGGAGGAGGTACTT-3'
Protein context (NP_001254656.1, residues 381-401): PQGRRFDGVD[Val391Phe]SEVLFGRSQP

ClinVar aggregate classification (germline): Uncertain significance (1 of 4 stars; one submission).

gnomAD v4.1: 15 of 1,613,992 alleles (0.00093%); highest among the groups gnomAD compares: Non-Finnish European, 0.0013%; no homozygotes.

Submission:

Labcorp Genetics (formerly Invitae), Labcorp
Classification: Uncertain significance. Last evaluated: 2025-10-06. Review status: criteria provided, single submitter. Criteria: Invitae Variant Classification Sherloc (09022015). Collection method: clinical testing. Allele origin: germline.
Comment: This sequence change replaces valine, which is neutral and non-polar, with phenylalanine, which is neutral and non-polar, at codon 391 of the ARSG protein (p.Val391Phe). This variant is present in population databases (no rsID available, gnomAD 0.0009%). This variant has not been reported in the literature in individuals affected with ARSG-related conditions. ClinVar contains an entry for this variant (Variation ID: 1488861). Invitae Evidence Modeling of protein sequence and biophysical properties (such as structural, functional, and spatial information, amino acid conservation, physicochemical variation, residue mobility, and thermodynamic stability) indicates that this missense variant is not expected to disrupt ARSG protein function with a negative predictive value of 80%. In summary, the available evidence is currently insufficient to determine the role of this variant in disease. Therefore, it has been classified as a Variant of Uncertain Significance.